The following is an entry in ClinVar:

NM_206933.4(USH2A):c.13898del (p.Pro4632_Leu4633insTer)

Gene: USH2A (usherin; minus strand). Cytogenetic location: 1q41.
Variant type: Deletion.
Coding change: c.13898del on transcript NM_206933.4 (MANE Select); coding-DNA position 13898, one base deleted (T; older notation c.13898delT).
Protein change: p.Pro4632_Leu4633insTer.
Molecular consequence: nonsense.
Genome position (GRCh38, 1-based): chr1:215,671,207, A deleted on the plus strand (T on the coding strand, the reverse complement: USH2A is on the minus strand); the first of 3 consecutive A bases (chr1:215,671,207-215,671,209); deleting any one gives the same sequence. VCF-style (leftmost placement, unchanged base first): chr1-215671206-CA-C. GRCh37 (hg19) VCF-style: chr1-215844548-CA-C.
Other names: c.13898del (NM_206933.2).
Identifiers: ClinVar variation 551736 (VCV000551736.16), dbSNP rs1553252052, ClinGen allele CA658822638.

ClinVar aggregate classification (germline): Pathogenic/Likely pathogenic. Review status: criteria provided, multiple submitters, no conflicts (2 of 4 stars). 6 submissions from 5 submitters: Pathogenic (3); Likely pathogenic (2). 1 of the submissions does not count toward it. Last evaluated 2025-11-05.

Conditions:
Retinitis pigmentosa 39 (RP39). Identifiers: Orphanet 791, MedGen C3151138, MONDO:0013436, OMIM 613809.
Usher syndrome type 2A. Also called: RETINAL DISEASE IN USHER SYNDROME TYPE IIA, MODIFIER OF; USHER SYNDROME, TYPE IIA. Identifiers: Orphanet 231178, Orphanet 886, MedGen C1848634, MONDO:0010169, OMIM 276901.
Retinitis pigmentosa (RP). Identifiers: Orphanet 791, MedGen C0035334, MeSH D012174, MONDO:0019200, OMIM 268000. Inheritance: Autosomal dominant, autosomal recessive and X linked inheritance.

Submissions (6):

Natera, Inc.
Classification: Pathogenic for Usher syndrome type 2A. Last evaluated: 2025-11-05. Review status: criteria provided, single submitter. Criteria: Natera Variant Classification Schema (03/2026). Collection method: clinical testing. Allele origin: germline.
Comment: The c.13898del variant in USH2A is a frameshift variant predicted to shift the reading frame and introduce a stop codon. This variant is expected to result in nonsense mediated decay, truncation, or a dysfunctional protein product. This variant is rare in the general population with a frequency below the threshold expected for the associated phenotype(s). This variant has been observed in one or more individuals affected with the associated recessive disease, as either homozygous or compound heterozygous with a second variant (PMID: 28944237, 32531858). Given the available evidence, this variant is classified as Pathogenic.

Labcorp Genetics (formerly Invitae), Labcorp
Classification: Pathogenic. Last evaluated: 2023-12-16. Review status: criteria provided, single submitter. Criteria: Invitae Variant Classification Sherloc (09022015). Collection method: clinical testing. Allele origin: germline.
Comment: This sequence change creates a premature translational stop signal (p.Leu4633*) in the USH2A gene. It is expected to result in an absent or disrupted protein product. Loss-of-function variants in USH2A are known to be pathogenic (PMID: 10729113, 10909849, 20507924, 25649381). This variant is not present in population databases (gnomAD no frequency). This premature translational stop signal has been observed in individual(s) with clinical features of Usher syndrome (PMID: 28944237). ClinVar contains an entry for this variant (Variation ID: 551736). For these reasons, this variant has been classified as Pathogenic.

Genome-Nilou Lab
Classification: Likely pathogenic for Retinitis pigmentosa 39. Last evaluated: 2023-11-04. Review status: criteria provided, single submitter. Criteria: ACMG Guidelines, 2015. Collection method: clinical testing. Allele origin: germline. Affected: no.

Genome-Nilou Lab
Classification: Likely pathogenic for Usher syndrome type 2A. Last evaluated: 2023-11-04. Review status: criteria provided, single submitter. Criteria: ACMG Guidelines, 2015. Collection method: clinical testing. Allele origin: germline. Affected: no.

Molecular Genetics Laboratory, Institute for Ophthalmic Research
Classification: Pathogenic for Retinitis pigmentosa. Last evaluated: 2020-01-09. Review status: criteria provided, single submitter. Criteria: ACMG Guidelines, 2015. Collection method: research. Allele origin: germline. Affected: yes.

Counsyl
Classification: Likely pathogenic for Usher syndrome type 2A; Retinitis pigmentosa 39. Last evaluated: 2017-05-05. Review status: no assertion criteria provided. Collection method: clinical testing. Allele origin: unknown. Not counted in ClinVar's aggregate classification.

Literature cited by the submitters: PubMed 28944237 (cited by Natera, Inc. and Labcorp Genetics (formerly Invitae), Labcorp); PubMed 32531858 (cited by Natera, Inc.); PubMed 10729113 (cited by Labcorp Genetics (formerly Invitae), Labcorp); PubMed 10909849 (cited by Labcorp Genetics (formerly Invitae), Labcorp); PubMed 20507924 (cited by Labcorp Genetics (formerly Invitae), Labcorp); PubMed 25649381 (cited by Labcorp Genetics (formerly Invitae), Labcorp).